The following is an entry in ClinVar:

ClinVar aggregate classification (germline): Likely pathogenic (1 of 4 stars; one submission).

Conditions:
Congenital contractures of the limbs and face, hypotonia, and developmental delay (CLIFAHDD). Identifiers: Orphanet 562528, MedGen C4225398, MONDO:0014556, OMIM 616266.

Submission:

Victorian Clinical Genetics Services, Murdoch Childrens Research Institute
Classification: Likely pathogenic for Congenital contractures of the limbs and face, hypotonia, and developmental delay. Last evaluated: 2023-07-16. Review status: criteria provided, single submitter. Criteria: ACMG Guidelines, 2015. Collection method: clinical testing. Allele origin: germline. Inheritance: Autosomal dominant inheritance. Affected: yes.
Comment: Based on the classification scheme VCGS_Germline_v1.3.4, this variant is classified as Likely pathogenic. Following criteria are met: 0103 - Loss of function is a known mechanism of disease in this gene and is associated with autosomal recessive hypotonia, infantile, with psychomotor retardation and characteristic facies 1 (MIM#615419). Dominant negative and gain of function are postulated mechanisms for autosomal dominant congenital contractures of the limbs and face, hypotonia, and developmental delay (MIM# 6162660) (PMID: 26763878). (I) 0108 - This gene is associated with both recessive and dominant disease. The recessive condition is associated with both null variants and missense variants outside of the S5/S6 segments of the protein (PMID: 30167850), whereas the dominant condition is mostly associated with missense variants within the S5/S6 segments (PMID: 26763878). (I) 0200 - Variant is predicted to result in a missense amino acid change from arginine to leucine. (I) 0251 - This variant is heterozygous. (I) 0301 - Variant is absent from gnomAD (both v2 and v3). (SP) 0501 - Missense variant consistently predicted to be damaging by multiple in silico tools or highly conserved with a major amino acid change. (SP) 0603 - Missense variant in a region that is highly intolerant to missense variation (high constraint region in DECIPHER), within the S5 segment of the ion transporter domain (PMID: 25683120). (SP) 0703 - Another missense variant comparable to the one identified in this case has moderate previous evidence for pathogenicity. This alternative change (p.(Arg173Gln)) has been reported as likely pathogenic and pathogenic, and observed as de novo in two individuals with features including arthrogryposis, global developmental delay and/or ataxia (VCGS, DECIPHER). (SP) 0807 - This variant has no previous evidence of pathogenicity. (I) 0905 - No published segregation evidence has been identified for this variant. (I) 1007 - No published functional evidence has been identified for this variant. (SP) Legend: (SP) - Supporting pathogenic, (I) - Information, (SB) - Supporting benign

Literature cited by the submitters: PubMed 25683120; PubMed 26763878; PubMed 30167850.

NM_052867.4(NALCN):c.518G>T (p.Arg173Leu)

Gene: NALCN (sodium leak channel, non-selective; minus strand). Cytogenetic location: 13q33.1.
Variant type: single nucleotide variant.
Coding change: c.518G>T on transcript NM_052867.4 (MANE Select); coding-DNA position 518, G replaced by T.
Protein change: p.Arg173Leu; replaces arginine 173 with leucine.
Molecular consequence: missense variant.
Genome position (GRCh38, 1-based): chr13:101,376,826, C>A on the plus strand (G>T on the coding strand, the complement: NALCN is on the minus strand). VCF-style: chr13-101376826-C-A. GRCh37 (hg19) VCF-style: chr13-102029177-C-A.
Other names: c.518G>T, p.Arg173Leu (NM_001350748.2, NM_001350749.2, NM_001350750.2 and 1 more transcripts); short protein forms R173L.
Identifiers: ClinVar variation 3377521 (VCV003377521.1).